The following is an entry in ClinVar:

ClinVar aggregate classification (germline): Likely pathogenic (1 of 4 stars; one submission).

Conditions:
Lactic aciduria due to D-lactic acid. Identifiers: MedGen C5193006, MONDO:0009505, OMIM 245450.

Submission:

Institute of Human Genetics, University of Leipzig Medical Center
Classification: Likely pathogenic for Lactic aciduria due to D-lactic acid. Last evaluated: 2024-10-15. Review status: criteria provided, single submitter. Criteria: ACMG Guidelines, 2015. Collection method: clinical testing. Allele origin: maternal. Inheritance: Autosomal recessive inheritance. Affected: yes.
Comment: Criteria applied: PVS1_STR,PM2,PP4,PM3

NM_194436.3(LDHD):c.561_562del (p.Leu188fs)

Gene: LDHD (lactate dehydrogenase D; minus strand). Cytogenetic location: 16q23.1.
Variant type: Deletion.
Coding change: c.561_562del on transcript NM_194436.3 (MANE Select); coding-DNA positions 561 to 562, 2 bases deleted (GC; older notation c.561_562delGC).
Protein change: p.Leu188fs; shifts the reading frame from leucine 188.
Molecular consequence: frameshift variant.
Genome position (GRCh38, 1-based): chr16:75,114,593-75,114,594, GC deleted on the plus strand (GC on the coding strand, the reverse complement: LDHD is on the minus strand). VCF-style (leftmost placement, unchanged base first): chr16-75114592-AGC-A. GRCh37 (hg19) VCF-style: chr16-75148490-AGC-A.
Other names: c.561_562del, p.Leu188fs (NM_153486.4); short protein forms L188fs.
Identifiers: ClinVar variation 3376153 (VCV003376153.4).
Genomic context (GRCh38, chr16:75,114,592, plus strand): 5'-TGCCGGCCTCGGCCCGCCGTGTGCAGCAGCCGCCCGTCGGGCAGCACCACCTCCAGGTTG[AGC>A]ACGTTGTCCCGCATGGTGCCGTAGCGGACCGCGTTGGTCCCCGACGCCCCGGTGGCCGCC-3'